The following is an entry in ClinVar:

NM_001008537.3(NEXMIF):c.4465G>A (p.Asp1489Asn)

Gene: NEXMIF (neurite extension and migration factor; minus strand). Cytogenetic location: Xq13.3.
Variant type: single nucleotide variant.
Coding change: c.4465G>A on transcript NM_001008537.3 (MANE Select); coding-DNA position 4465, G replaced by A.
Protein change: p.Asp1489Asn; replaces aspartic acid 1489 with asparagine.
Molecular consequence: missense variant.
Genome position (GRCh38, 1-based): chrX:74,739,491, C>T on the plus strand (G>A on the coding strand, the complement: NEXMIF is on the minus strand). VCF-style: chrX-74739491-C-T. GRCh37 (hg19) VCF-style: chrX-73959326-C-T.
Other names: short protein forms D1489N.
Identifiers: ClinVar variation 1313198 (VCV001313198.5), dbSNP rs751841142, ClinGen allele CA10454816.

ClinVar aggregate classification (germline): Uncertain significance. Review status: criteria provided, multiple submitters, no conflicts (2 of 4 stars). 2 submissions from 2 submitters: Uncertain significance (2). Last evaluated 2023-03-08.

Allele frequency attached by ClinVar (database versions not stated): gnomAD exomes 0.00001; TOPMed 0.00001; ExAC 0.00003.
gnomAD v4.1: 6 of 1,186,000 alleles (0.00051%); highest among the groups gnomAD compares: African/African-American, 0.0035%; no homozygotes.

Submissions (2):

Labcorp Genetics (formerly Invitae), Labcorp
Classification: Uncertain significance. Last evaluated: 2023-03-08. Review status: criteria provided, single submitter. Criteria: Invitae Variant Classification Sherloc (09022015). Collection method: clinical testing. Allele origin: germline.
Comment: ClinVar contains an entry for this variant (Variation ID: 1313198). In summary, the available evidence is currently insufficient to determine the role of this variant in disease. Therefore, it has been classified as a Variant of Uncertain Significance. Algorithms developed to predict the effect of missense changes on protein structure and function output the following: SIFT: "Not Available"; PolyPhen-2: "Benign"; Align-GVGD: "Not Available". The asparagine amino acid residue is found in multiple mammalian species, which suggests that this missense change does not adversely affect protein function. This variant has not been reported in the literature in individuals affected with NEXMIF-related conditions. The frequency data for this variant in the population databases is considered unreliable, as metrics indicate poor data quality at this position in the gnomAD database. This sequence change replaces aspartic acid, which is acidic and polar, with asparagine, which is neutral and polar, at codon 1489 of the NEXMIF protein (p.Asp1489Asn).

GeneDx
Classification: Uncertain significance. Last evaluated: 2020-01-28. Review status: criteria provided, single submitter. Criteria: GeneDx Variant Classification Process June 2021. Collection method: clinical testing. Allele origin: germline. Affected: yes.
Comment: In silico analysis, which includes protein predictors and evolutionary conservation, supports that this variant does not alter protein structure/function; Has not been previously published as pathogenic or benign to our knowledge